The following is an entry in ClinVar:

ClinVar aggregate classification (germline): Uncertain significance (1 of 4 stars; one submission).

Allele frequency attached by ClinVar (database versions not stated): TOPMed below 0.00001; gnomAD 0.00001.
gnomAD v4.1: 1 of 1,613,842 alleles (0.000062%); highest among the groups gnomAD compares: Non-Finnish European, 0.000085%; no homozygotes.

Submission:

GeneDx
Classification: Uncertain significance. Last evaluated: 2021-06-22. Review status: criteria provided, single submitter. Criteria: GeneDx Variant Classification Process June 2021. Collection method: clinical testing. Allele origin: germline. Affected: yes.
Comment: Not observed at significant frequency in large population cohorts (Lek et al., 2016); In silico analysis, which includes protein predictors and evolutionary conservation, supports a deleterious effect; Has not been previously published as pathogenic or benign to our knowledge; This variant is associated with the following publications: (PMID: 27535533)

NM_007373.4(SHOC2):c.1650C>A (p.Asn550Lys)

Gene: SHOC2 (SHOC2 leucine rich repeat scaffold protein; plus strand). Cytogenetic location: 10q25.2.
Variant type: single nucleotide variant.
Coding change: c.1650C>A on transcript NM_007373.4 (MANE Select); coding-DNA position 1650, C replaced by A.
Protein change: p.Asn550Lys; replaces asparagine 550 with lysine.
Molecular consequence: missense variant. On other transcripts: non-coding transcript variant (1).
Genome position (GRCh38, 1-based): chr10:111,011,719, C>A. VCF-style: chr10-111011719-C-A. GRCh37 (hg19) VCF-style: chr10-112771477-C-A.
Other names: c.1512C>A, p.Asn504Lys (NM_001269039.3); c.1650C>A, p.Asn550Lys (NM_001324336.2, NM_001324337.2); short protein forms N504K, N550K.
Identifiers: ClinVar variation 1305899 (VCV001305899.2), dbSNP rs1417194283, ClinGen allele CA378526386.